The following is an entry in ClinVar:

NM_003482.4(KMT2D):c.11263C>T (p.Gln3755Ter)

Gene: KMT2D (lysine methyltransferase 2D; minus strand). Cytogenetic location: 12q13.12.
Variant type: single nucleotide variant.
Coding change: c.11263C>T on transcript NM_003482.4 (MANE Select); coding-DNA position 11263, C replaced by T.
Protein change: p.Gln3755Ter; replaces glutamine 3755 with a stop codon.
Molecular consequence: nonsense.
Genome position (GRCh38, 1-based): chr12:49,033,442, G>A on the plus strand (C>T on the coding strand, the complement: KMT2D is on the minus strand). VCF-style: chr12-49033442-G-A. GRCh37 (hg19) VCF-style: chr12-49427225-G-A.
Other names: short protein forms Q3755*.
Identifiers: ClinVar variation 158715 (VCV000158715.7), dbSNP rs587783681, ClinGen allele CA271568.

ClinVar aggregate classification (germline): Pathogenic. Review status: criteria provided, multiple submitters, no conflicts (2 of 4 stars). 2 submissions from 2 submitters: Pathogenic (2). Last evaluated 2021-10-02.

Conditions:
Kabuki syndrome 1 (KABUK1). Also called: KMT2D-Related Kabuki Syndrome. Identifiers: Orphanet 2322, MedGen CN030661, MONDO:0007843, OMIM 147920.

Submissions (2):

3billion
Classification: Pathogenic for Kabuki syndrome 1. Last evaluated: 2021-10-02. Review status: criteria provided, single submitter. Criteria: ACMG Guidelines, 2015. Collection method: clinical testing. Allele origin: unknown. Affected: yes. Observed: 1 heterozygote.
Comment: Stop-gained (nonsense): predicted to result in a loss or disruption of normal protein function through nonsense-mediated decay (NMD) or protein truncation. Multiple pathogenic variants are reported downstream of the variant (PVS1_VS). It is not observed in the gnomAD v2.1.1 dataset (PM2). The variant has been reported as pathogenic/likely pathogenic without evidence for the classification(ClinVar ID: VCV000158715.1). Patient's phenotype is considered compatible with Kabuki syndrome 1 (3billion dataset, PP4). Therefore, this variant is classified as pathogenic according to the recommendation of ACMG/AMP guideline

Genetic Services Laboratory, University of Chicago
Classification: Pathogenic for Kabuki syndrome 1. Last evaluated: 2013-12-02. Review status: criteria provided, single submitter. Criteria: ACMG Guidelines, 2007. Collection method: clinical testing. Allele origin: germline. Inheritance: Autosomal dominant inheritance. Affected: yes.